The following is an entry in ClinVar:

NM_152443.3(RDH12):c.72G>C (p.Lys24Asn)

Genes: GPHN (gephyrin; plus strand), RDH12 (retinol dehydrogenase 12; plus strand). Cytogenetic location: 14q24.1.
Variant type: single nucleotide variant.
Coding change: c.72G>C on transcript NM_152443.3 (MANE Select); coding-DNA position 72, G replaced by C.
Protein change: p.Lys24Asn; replaces lysine 24 with asparagine.
Molecular consequence: missense variant.
Genome position (GRCh38, 1-based): chr14:67,724,476, G>C. VCF-style: chr14-67724476-G-C. GRCh37 (hg19) VCF-style: chr14-68191193-G-C.
Other names: short protein forms K24N.
Identifiers: ClinVar variation 2570884 (VCV002570884.27), dbSNP rs2503792333, ClinGen allele CA390147542.

ClinVar aggregate classification (germline): Uncertain significance (1 of 4 stars; one submission).

Allele frequency attached by ClinVar (database versions not stated): gnomAD exomes below 0.00001.
gnomAD v4.1: 6 of 1,601,262 alleles (0.00037%); highest among the groups gnomAD compares: Non-Finnish European, 0.00051%; no homozygotes.

Submission:

CeGaT Center for Human Genetics Tuebingen
Classification: Uncertain significance. Last evaluated: 2023-06-01. Review status: criteria provided, single submitter. Criteria: CeGaT Center For Human Genetics Tuebingen Variant Classification Criteria Version 2. Collection method: clinical testing. Allele origin: germline. Affected: yes. Observed: 1 variant allele.
Comment: RDH12: PM2